The following is an entry in ClinVar:

ClinVar aggregate classification (germline): Benign (1 of 4 stars; one submission).

Allele frequency attached by ClinVar (database versions not stated): 1000 Genomes Project 30x 0.10369; 1000 Genomes Project 0.10503; TOPMed 0.14119; gnomAD 0.14468 and 0.14718.
gnomAD v4.1: 22,342 of 151,976 alleles (15%); highest among the groups gnomAD compares: Middle Eastern, 27%; 2,008 homozygotes.

Submission:

GeneDx
Classification: Benign. Last evaluated: 2018-06-16. Review status: criteria provided, single submitter. Criteria: GeneDx Variant Classification (06012015). Collection method: clinical testing. Allele origin: germline. Affected: yes.
Comment: This variant is considered likely benign or benign based on one or more of the following criteria: it is a conservative change, it occurs at a poorly conserved position in the protein, it is predicted to be benign by multiple in silico algorithms, and/or has population frequency not consistent with disease.

NM_001184.4(ATR):c.4383-177C>T

Gene: ATR (ATR checkpoint kinase; minus strand). Cytogenetic location: 3q23.
Variant type: single nucleotide variant.
Coding change: c.4383-177C>T on transcript NM_001184.4 (MANE Select); 177 bases into the intron before coding-DNA position 4383, C replaced by T.
Molecular consequence: intron variant.
Genome position (GRCh38, 1-based): chr3:142,515,692, G>A on the plus strand (C>T on the coding strand, the complement: ATR is on the minus strand). VCF-style: chr3-142515692-G-A. GRCh37 (hg19) VCF-style: chr3-142234534-G-A.
Other names: c.4191-177C>T (NM_001354579.2).
Identifiers: ClinVar variation 678203 (VCV000678203.1), dbSNP rs10804682, ClinGen allele CA15290616.